The following is an entry in ClinVar:

ClinVar aggregate classification (germline): Uncertain significance. Review status: criteria provided, single submitter (1 of 4 stars). 2 submissions from 2 submitters: Uncertain significance (1). 1 of the submissions does not count toward it. Last evaluated 2022-10-24.

Conditions:
Cohen syndrome (COH1). Also called: PEPPER SYNDROME; Cutis verticis gyrata, retinitis pigmentosa, and sensorineural deafness. Identifiers: Orphanet 193, MedGen C0265223, MONDO:0008999, OMIM 216550.
VPS13B-related disorder. Also called: VPS13B-related condition.

Allele frequency attached by ClinVar (database versions not stated): TOPMed below 0.00001; gnomAD 0.00001.
gnomAD v4.1: 7 of 1,613,102 alleles (0.00043%); highest among the groups gnomAD compares: Non-Finnish European, 0.00059%; no homozygotes.

Submissions (2):

Labcorp Genetics (formerly Invitae), Labcorp
Classification: Uncertain significance for Cohen syndrome. Last evaluated: 2022-10-24. Review status: criteria provided, single submitter. Criteria: Invitae Variant Classification Sherloc (09022015). Collection method: clinical testing. Allele origin: germline.
Comment: This sequence change replaces alanine, which is neutral and non-polar, with valine, which is neutral and non-polar, at codon 2171 of the VPS13B protein (p.Ala2171Val). The frequency data for this variant in the population databases is considered unreliable, as metrics indicate poor data quality at this position in the gnomAD database. This variant has not been reported in the literature in individuals affected with VPS13B-related conditions. ClinVar contains an entry for this variant (Variation ID: 665480). Advanced modeling of protein sequence and biophysical properties (such as structural, functional, and spatial information, amino acid conservation, physicochemical variation, residue mobility, and thermodynamic stability) performed at Invitae indicates that this missense variant is not expected to disrupt VPS13B protein function. Algorithms developed to predict the effect of sequence changes on RNA splicing suggest that this variant may disrupt the consensus splice site. In summary, the available evidence is currently insufficient to determine the role of this variant in disease. Therefore, it has been classified as a Variant of Uncertain Significance.

PreventionGenetics, part of Exact Sciences
Classification: Uncertain significance for VPS13B-related condition. Last evaluated: 2023-11-01. Review status: no assertion criteria provided. Collection method: clinical testing. Allele origin: germline. Not counted in ClinVar's aggregate classification.
Comment: The VPS13B c.6437C>T variant is predicted to result in the amino acid substitution p.Ala2146Val. To our knowledge, this variant has not been reported in the literature. This variant is reported in 0.0065% of alleles in individuals of European (Non-Finnish) descent in gnomAD. At this time, the clinical significance of this variant is uncertain due to the absence of conclusive functional and genetic evidence.

NM_152564.5(VPS13B):c.6437C>T (p.Ala2146Val)

Gene: VPS13B (vacuolar protein sorting 13 homolog B; plus strand). Cytogenetic location: 8q22.2.
Variant type: single nucleotide variant.
Coding change: c.6437C>T on transcript NM_152564.5 (MANE Select); coding-DNA position 6437, C replaced by T.
Protein change: p.Ala2146Val; replaces alanine 2146 with valine.
Molecular consequence: missense variant.
Genome position (GRCh38, 1-based): chr8:99,699,915, C>T. VCF-style: chr8-99699915-C-T. GRCh37 (hg19) VCF-style: chr8-100712143-C-T.
Other names: c.6512C>T, p.Ala2171Val (NM_017890.5); c.6437C>T (NM_152564.4); short protein forms A2146V, A2171V.
Identifiers: ClinVar variation 665480 (VCV000665480.6), dbSNP rs967172609, ClinGen allele CA183025356.